The following is an entry in ClinVar:

NM_006016.6(CD164):c.404C>A (p.Thr135Asn)

Gene: CD164 (CD164 molecule; minus strand). Cytogenetic location: 6q21.
Variant type: single nucleotide variant.
Coding change: c.404C>A on transcript NM_006016.6 (MANE Select); coding-DNA position 404, C replaced by A.
Protein change: p.Thr135Asn; replaces threonine 135 with asparagine.
Molecular consequence: missense variant. On other transcripts: intron variant (1).
Genome position (GRCh38, 1-based): chr6:109,370,434, G>T on the plus strand (C>A on the coding strand, the complement: CD164 is on the minus strand). VCF-style: chr6-109370434-G-T. GRCh37 (hg19) VCF-style: chr6-109691637-G-T.
Other names: c.365C>A, p.Thr122Asn (NM_001142401.3); c.404C>A, p.Thr135Asn (NM_001142403.3, NM_001142404.3); c.302C>A, p.Thr101Asn (NM_001346500.2); c.371-1417C>A (NM_001142402.3); short protein forms T135N, T101N, T122N.
Identifiers: ClinVar variation 1515100 (VCV001515100.6), dbSNP rs2115144052, ClinGen allele CA365195037.

ClinVar aggregate classification (germline): Uncertain significance (1 of 4 stars; one submission).

Submission:

Labcorp Genetics (formerly Invitae), Labcorp
Classification: Uncertain significance. Last evaluated: 2022-03-22. Review status: criteria provided, single submitter. Criteria: Invitae Variant Classification Sherloc (09022015). Collection method: clinical testing. Allele origin: germline.
Comment: This variant is not present in population databases (gnomAD no frequency). This sequence change replaces threonine, which is neutral and polar, with asparagine, which is neutral and polar, at codon 135 of the CD164 protein (p.Thr135Asn). This variant has not been reported in the literature in individuals affected with CD164-related conditions. Algorithms developed to predict the effect of missense changes on protein structure and function are either unavailable or do not agree on the potential impact of this missense change (SIFT: "Deleterious"; PolyPhen-2: "Probably Damaging"; Align-GVGD: "Class C0"). In summary, the available evidence is currently insufficient to determine the role of this variant in disease. Therefore, it has been classified as a Variant of Uncertain Significance.